The following is an entry in ClinVar:

NM_001845.6(COL4A1):c.3371G>A (p.Gly1124Glu)

Gene: COL4A1 (collagen type IV alpha 1 chain; minus strand). Cytogenetic location: 13q34.
Variant type: single nucleotide variant.
Coding change: c.3371G>A on transcript NM_001845.6 (MANE Select); coding-DNA position 3371, G replaced by A.
Protein change: p.Gly1124Glu; replaces glycine 1124 with glutamic acid.
Molecular consequence: missense variant.
Genome position (GRCh38, 1-based): chr13:110,174,481, C>T on the plus strand (G>A on the coding strand, the complement: COL4A1 is on the minus strand). VCF-style: chr13-110174481-C-T. GRCh37 (hg19) VCF-style: chr13-110826828-C-T.
Other names: short protein forms G1124E.
Identifiers: ClinVar variation 426328 (VCV000426328.2), dbSNP rs1085307568, ClinGen allele CA388664390.

ClinVar aggregate classification (germline): Likely pathogenic (1 of 4 stars; one submission).

Submission:

GeneDx
Classification: Likely pathogenic. Last evaluated: 2017-04-20. Review status: criteria provided, single submitter. Criteria: GeneDx Variant Classification (06012015). Collection method: clinical testing. Allele origin: germline. Affected: yes.
Comment: The G1124E variant in the COL4A1 gene has not been reported previously as a pathogenic variant, nor as a benign variant, to our knowledge. The G1124E variant is not observed in large population cohorts (Lek et al., 2016; 1000 Genomes Consortium et al., 2015; Exome Variant Server). The G1124E variant is a non-conservative amino acid substitution, which is likely to impact secondary protein structure as these residues differ in polarity, charge, size and/or other properties. This substitution occurs at a position that is conserved across species, affecting a Glycine residue in the Gly-X-Y repetitive motif of the triple helical region of the COL4A1 gene. In this domain, the Glycine in the triplet repeat is critical for protein folding and substitution of a triplet Glycine is a known pathogenic mechanism (Plaisier and Ronco, 2016). In silico analysis predicts this variant is probably damaging to the protein structure/function. We interpret G1124E as a likely pathogenic variant.